The following is an entry in ClinVar:

ClinVar aggregate classification (germline): Benign (1 of 4 stars; one submission).

gnomAD v4.1: 2,065 of 1,614,054 alleles (0.13%); highest among the groups gnomAD compares: South Asian, 1.4%; 27 homozygotes.

Submission:

CeGaT Center for Human Genetics Tuebingen
Classification: Benign. Last evaluated: 2025-12-01. Review status: criteria provided, single submitter. Criteria: CeGaT Center For Human Genetics Tuebingen Variant Classification Criteria Version 2. Collection method: clinical testing. Allele origin: germline. Affected: yes. Observed: 2 variant alleles.
Comment: MACF1: BP4, BS1, BS2

NM_001394062.1(MACF1):c.8468A>G (p.Gln2823Arg)

Gene: MACF1 (microtubule actin crosslinking factor 1; plus strand). Cytogenetic location: 1p34.3.
Variant type: single nucleotide variant.
Coding change: c.8468A>G on transcript NM_001394062.1 (MANE Select); coding-DNA position 8468, A replaced by G.
Protein change: p.Gln2823Arg; replaces glutamine 2823 with arginine.
Molecular consequence: missense variant. On other transcripts: intron variant (1).
Genome position (GRCh38, 1-based): chr1:39,335,056, A>G. VCF-style: chr1-39335056-A-G. GRCh37 (hg19) VCF-style: chr1-39800728-A-G.
Other names: c.4629+7703A>G (NM_012090.5); short protein forms Q2823R.
Identifiers: ClinVar variation 4280776 (VCV004280776.7).